The following is an entry in ClinVar:

ClinVar aggregate classification (germline): Uncertain significance. Review status: criteria provided, multiple submitters, no conflicts (2 of 4 stars). 2 submissions from 2 submitters: Uncertain significance (2). Last evaluated 2025-01-18.

Conditions:
Brugada syndrome 8 (BRGDA8). Identifiers: Orphanet 130, MedGen C2751083, MONDO:0013148, OMIM 613123.
Cardiovascular phenotype. Identifiers: MedGen CN230736.

Allele frequency attached by ClinVar (database versions not stated): gnomAD 0.00001; gnomAD exomes 0.00001.
gnomAD v4.1: 6 of 1,491,890 alleles (0.0004%); highest among the groups gnomAD compares: African/African-American, 0.0015%; no homozygotes.

Submissions (2):

Ambry Genetics
Classification: Uncertain significance for Cardiovascular phenotype. Last evaluated: 2025-01-18. Review status: criteria provided, single submitter. Criteria: Ambry Variant Classification Scheme 2023. Collection method: clinical testing. Allele origin: germline.
Comment: The p.K3T variant (also known as c.8A>C), located in coding exon 1 of the HCN4 gene, results from an A to C substitution at nucleotide position 8. The lysine at codon 3 is replaced by threonine, an amino acid with similar properties. This variant has been reported in a dilated cardiomyopathy (DCM) cohort (Voinescu OR et al. Int J Mol Sci, 2024 Feb;25:). This amino acid position is not well conserved in available vertebrate species. In addition, the in silico prediction for this alteration is inconclusive. Based on the available evidence, the clinical significance of this variant remains unclear.

Labcorp Genetics (formerly Invitae), Labcorp
Classification: Uncertain significance for Brugada syndrome 8. Last evaluated: 2024-10-15. Review status: criteria provided, single submitter. Criteria: Invitae Variant Classification Sherloc (09022015). Collection method: clinical testing. Allele origin: germline.
Comment: This sequence change replaces lysine, which is basic and polar, with threonine, which is neutral and polar, at codon 3 of the HCN4 protein (p.Lys3Thr). The frequency data for this variant in the population databases is considered unreliable, as metrics indicate poor data quality at this position in the gnomAD database. This variant has not been reported in the literature in individuals affected with HCN4-related conditions. ClinVar contains an entry for this variant (Variation ID: 1423712). Invitae Evidence Modeling of protein sequence and biophysical properties (such as structural, functional, and spatial information, amino acid conservation, physicochemical variation, residue mobility, and thermodynamic stability) has been performed for this missense variant. However, the output from this modeling did not meet the statistical confidence thresholds required to predict the impact of this variant on HCN4 protein function. In summary, the available evidence is currently insufficient to determine the role of this variant in disease. Therefore, it has been classified as a Variant of Uncertain Significance.

Literature cited by the submitters: PubMed 38473809 (cited by Ambry Genetics).

NM_005477.3(HCN4):c.8A>C (p.Lys3Thr)

Gene: HCN4 (hyperpolarization activated cyclic nucleotide gated potassium channel 4; minus strand). Cytogenetic location: 15q24.1.
Variant type: single nucleotide variant.
Coding change: c.8A>C on transcript NM_005477.3 (MANE Select); coding-DNA position 8, A replaced by C.
Protein change: p.Lys3Thr; replaces lysine 3 with threonine.
Molecular consequence: missense variant.
Genome position (GRCh38, 1-based): chr15:73,368,263, T>G on the plus strand (A>C on the coding strand, the complement: HCN4 is on the minus strand). VCF-style: chr15-73368263-T-G. GRCh37 (hg19) VCF-style: chr15-73660604-T-G.
Other names: c.8A>C (NM_005477.2); short protein forms K3T.
Identifiers: ClinVar variation 1423712 (VCV001423712.9), dbSNP rs1267513363, ClinGen allele CA393099284.